The following is an entry in ClinVar:

ClinVar aggregate classification (germline): Likely benign (1 of 4 stars; one submission).

Conditions:
KIF7-related disorder. Also called: KIF7-related condition.

Submission:

PreventionGenetics, part of Exact Sciences
Classification: Likely benign for KIF7-related condition. Last evaluated: 2025-11-03. Review status: criteria provided, single submitter. Criteria: ACMG Guidelines, 2015. Collection method: clinical testing. Allele origin: germline.
Comment: This variant is classified as likely benign based on ACMG/AMP sequence variant interpretation guidelines (Richards et al. 2015 PMID: 25741868, with internal and published modifications).

NM_198525.3(KIF7):c.270C>G (p.Val90=)

Gene: KIF7 (kinesin family member 7; minus strand). Cytogenetic location: 15q26.1.
Variant type: single nucleotide variant.
Coding change: c.270C>G on transcript NM_198525.3 (MANE Select); coding-DNA position 270, C replaced by G.
Protein change: p.Val90=; no amino-acid change (valine 90 retained).
Molecular consequence: synonymous variant.
Genome position (GRCh38, 1-based): chr15:89,652,661, G>C on the plus strand (C>G on the coding strand, the complement: KIF7 is on the minus strand). VCF-style: chr15-89652661-G-C. GRCh37 (hg19) VCF-style: chr15-90195892-G-C.
Identifiers: ClinVar variation 4991727 (VCV004991727.1).